The following is an entry in ClinVar:

ClinVar aggregate classification (germline): Uncertain significance. Review status: criteria provided, multiple submitters, no conflicts (2 of 4 stars). 2 submissions from 2 submitters: Uncertain significance (2). Last evaluated 2024-07-20.

Conditions:
Cardiomyopathy (CMYO). Also called: Cardiomyopathies. Identifiers: Orphanet 167848, MedGen C0878544, MONDO:0004994, HP:0001638. Inheritance: Various modes of inheritance.
Arrhythmogenic right ventricular dysplasia 5. Also called: Arrhythmogenic Right Ventricular Dysplasia/Cardiomyopathy 5; ARRHYTHMOGENIC RIGHT VENTRICULAR DYSPLASIA, FAMILIAL, 5. Identifiers: MedGen C1858379, MONDO:0011459, OMIM 604400.

Allele frequency attached by ClinVar (database versions not stated): gnomAD exomes below 0.00001.

Submissions (2):

All of Us Research Program, National Institutes of Health
Classification: Uncertain significance for Arrhythmogenic right ventricular dysplasia 5. Last evaluated: 2024-07-20. Review status: criteria provided, single submitter. Criteria: ACMG Guidelines, 2015. Collection method: clinical testing. Allele origin: germline. Inheritance: Autosomal dominant inheritance. Observed: 1 variant allele, 1 heterozygote.
Comment: This missense variant replaces threonine with alanine at codon 332 of the TMEM43 protein. Computational prediction suggests that this variant may not impact protein structure and function (internally defined REVEL score threshold <= 0.5, PMID: 27666373). To our knowledge, functional studies have not been reported for this variant. This variant has been reported in an individual affected with left ventricular non-compaction, dilated aortic root and sinus brachycardia, as well as in the mother who was affected with aortic dilation and regurgitation (Gable et al. 2016, DOI: 10.1136/heartjnl-2016-309890.210). This variant has not been identified in the general population by the Genome Aggregation Database (gnomAD). The available evidence is insufficient to determine the role of this variant in disease conclusively. Therefore, this variant is classified as a Variant of Uncertain Significance.

This study involves interpretation of variants in research participants for the purpose of population health screening. Participant phenotype was not available at the time of variant classification. Additional details can be found in publication PMID: 35346344, PMCID: PMC8962531

Color Diagnostics, LLC DBA Color Health
Classification: Uncertain significance for Cardiomyopathy. Last evaluated: 2024-07-15. Review status: criteria provided, single submitter. Criteria: ACMG Guidelines, 2015. Collection method: clinical testing. Allele origin: germline.
Comment: This missense variant replaces threonine with alanine at codon 332 of the TMEM43 protein. Computational prediction suggests that this variant may not impact protein structure and function (internally defined REVEL score threshold <= 0.5, PMID: 27666373). To our knowledge, functional studies have not been reported for this variant. This variant has been reported in an individual affected with left ventricular non-compaction, dilated aortic root and sinus brachycardia, as well as in the mother who was affected with aortic dilation and regurgitation (Gable et al. 2016, DOI: 10.1136/heartjnl-2016-309890.210). This variant has not been identified in the general population by the Genome Aggregation Database (gnomAD). The available evidence is insufficient to determine the role of this variant in disease conclusively. Therefore, this variant is classified as a Variant of Uncertain Significance.

NM_024334.3(TMEM43):c.994A>G (p.Thr332Ala)

Gene: TMEM43 (transmembrane protein 43; plus strand). Cytogenetic location: 3p25.1.
Variant type: single nucleotide variant.
Coding change: c.994A>G on transcript NM_024334.3 (MANE Select); coding-DNA position 994, A replaced by G.
Protein change: p.Thr332Ala; replaces threonine 332 with alanine.
Molecular consequence: missense variant.
Genome position (GRCh38, 1-based): chr3:14,139,291, A>G. VCF-style: chr3-14139291-A-G. GRCh37 (hg19) VCF-style: chr3-14180791-A-G.
Other names: short protein forms T332A.
Identifiers: ClinVar variation 1172128 (VCV001172128.4), dbSNP rs2124995399, ClinGen allele CA351536314.